The following is an entry in ClinVar:

ClinVar aggregate classification (germline): Likely benign (0 of 4 stars; one submission).

Conditions:
TUBA4A-related disorder. Also called: TUBA4A-related condition.

Submission:

PreventionGenetics, part of Exact Sciences
Classification: Likely benign for TUBA4A-related condition. Last evaluated: 2023-10-03. Review status: no assertion criteria provided. Collection method: clinical testing. Allele origin: germline.
Comment: This variant is classified as likely benign based on ACMG/AMP sequence variant interpretation guidelines (Richards et al. 2015 PMID: 25741868, with internal and published modifications).

NM_006000.3(TUBA4A):c.966T>C (p.Asp322=)

Gene: TUBA4A (tubulin alpha 4a; minus strand). Cytogenetic location: 2q35.
Variant type: single nucleotide variant.
Coding change: c.966T>C on transcript NM_006000.3 (MANE Select); coding-DNA position 966, T replaced by C.
Protein change: p.Asp322=; no amino-acid change (aspartic acid 322 retained).
Molecular consequence: synonymous variant.
Genome position (GRCh38, 1-based): chr2:219,250,733, A>G on the plus strand (T>C on the coding strand, the complement: TUBA4A is on the minus strand). VCF-style: chr2-219250733-A-G. GRCh37 (hg19) VCF-style: chr2-220115455-A-G.
Other names: c.921T>C, p.Asp307= (NM_001278552.2).
Identifiers: ClinVar variation 3030793 (VCV003030793.2), dbSNP rs1559275945, ClinGen allele CA431426325.